The following is an entry in ClinVar:

ClinVar aggregate classification (germline): Pathogenic/Likely pathogenic. Review status: criteria provided, multiple submitters, no conflicts (2 of 4 stars). 5 submissions from 5 submitters: Pathogenic (4); Likely pathogenic (1). Last evaluated 2024-09-08.

Conditions:
Hereditary cancer-predisposing syndrome. Also called: Neoplastic Syndromes, Hereditary; Tumor predisposition; Hereditary Cancer Syndrome; Hereditary neoplastic syndrome. Identifiers: Orphanet 140162, MedGen C0027672, MeSH D009386, MONDO:0015356.
Familial cancer of breast. Also called: BREAST CANCER, FAMILIAL; Hereditary breast cancer; hereditary breast carcinoma. Identifiers: Orphanet 227535, MedGen C0346153, MONDO:0016419, OMIM 114480. Disease mechanism: loss of function.

Submissions (5):

Labcorp Genetics (formerly Invitae), Labcorp
Classification: Pathogenic for Familial cancer of breast. Last evaluated: 2024-09-08. Review status: criteria provided, single submitter. Criteria: Invitae Variant Classification Sherloc (09022015). Collection method: clinical testing. Allele origin: germline.
Comment: This sequence change creates a premature translational stop signal (p.Val560*) in the PALB2 gene. It is expected to result in an absent or disrupted protein product. Loss-of-function variants in PALB2 are known to be pathogenic (PMID: 17200668, 17200671, 17200672, 24136930, 25099575). This variant is not present in population databases (gnomAD no frequency). This variant has not been reported in the literature in individuals affected with PALB2-related conditions. ClinVar contains an entry for this variant (Variation ID: 482002). RNA analysis performed to evaluate the impact of this premature translational stop signal on mRNA splicing indicates it does not significantly alter splicing (internal data). For these reasons, this variant has been classified as Pathogenic.

Baylor Genetics
Classification: Likely pathogenic for Familial cancer of breast. Last evaluated: 2024-02-26. Review status: criteria provided, single submitter. Criteria: ACMG Guidelines, 2015. Collection method: clinical testing. Allele origin: unknown.

Myriad Genetics, Inc.
Classification: Pathogenic for Familial cancer of breast. Last evaluated: 2023-09-11. Review status: criteria provided, single submitter. Criteria: Myriad Autosomal Dominant, Autosomal Recessive and X-Linked Classification Criteria (2023). Collection method: clinical testing. Allele origin: unknown.
Comment: This variant is considered pathogenic. This variant creates a termination codon and is predicted to result in premature protein truncation.

Ambry Genetics
Classification: Pathogenic for Hereditary cancer-predisposing syndrome. Last evaluated: 2023-07-07. Review status: criteria provided, single submitter. Criteria: Ambry Variant Classification Scheme 2023. Collection method: clinical testing. Allele origin: germline.
Comment: The c.1677delA pathogenic mutation, located in coding exon 4 of the PALB2 gene, results from a deletion of one nucleotide at nucleotide position 1677, causing a translational frameshift with a predicted alternate stop codon (p.V560*). This alteration is expected to result in loss of function by premature protein truncation or nonsense-mediated mRNA decay. As such, this alteration is interpreted as a disease-causing mutation.

GeneDx
Classification: Pathogenic. Last evaluated: 2023-02-15. Review status: criteria provided, single submitter. Criteria: GeneDx Variant Classification Process June 2021. Collection method: clinical testing. Allele origin: germline. Affected: yes.
Comment: Nonsense variant predicted to result in protein truncation or nonsense mediated decay in a gene for which loss of function is a known mechanism of disease; Not observed at significant frequency in large population cohorts (gnomAD); This variant is associated with the following publications: (PMID: 30877237, 28779002)

Literature cited by the submitters: PubMed 17200668 (cited by Labcorp Genetics (formerly Invitae), Labcorp); PubMed 17200671 (cited by Labcorp Genetics (formerly Invitae), Labcorp); PubMed 17200672 (cited by Labcorp Genetics (formerly Invitae), Labcorp); PubMed 24136930 (cited by Labcorp Genetics (formerly Invitae), Labcorp); PubMed 25099575 (cited by Labcorp Genetics (formerly Invitae), Labcorp).

NM_024675.4(PALB2):c.1677del (p.Gln559_Val560insTer)

Gene: PALB2 (partner and localizer of BRCA2; minus strand). Cytogenetic location: 16p12.2.
Variant type: Deletion.
Coding change: c.1677del on transcript NM_024675.4 (MANE Select); coding-DNA position 1677, one base deleted (A; older notation c.1677delA).
Protein change: p.Gln559_Val560insTer.
Molecular consequence: frameshift variant.
Genome position (GRCh38, 1-based): chr16:23,634,869, T deleted on the plus strand (A on the coding strand, the reverse complement: PALB2 is on the minus strand); the first of 2 consecutive T bases (chr16:23,634,869-23,634,870); deleting either gives the same sequence. VCF-style (leftmost placement, unchanged base first): chr16-23634868-CT-C. GRCh37 (hg19) VCF-style: chr16-23646189-CT-C.
Other names: c.1677delA (NM_024675.3).
Identifiers: ClinVar variation 482002 (VCV000482002.18), dbSNP rs515726073, ClinGen allele CA658658419.